The following is an entry in ClinVar:

NM_001128840.3(CACNA1D):c.5258CAA[1] (p.Thr1754del)

Gene: CACNA1D (calcium voltage-gated channel subunit alpha1 D; plus strand). Cytogenetic location: 3p21.1.
Variant type: Microsatellite.
Coding change: c.5258CAA[1] on transcript NM_001128840.3 (MANE Select); one copy of the 3-base unit CAA starting at c.5258; the reference has two copies in a row; one copy, 3 bases deleted.
Protein change: p.Thr1754del; deletes threonine 1754.
Molecular consequence: inframe deletion.
Genome position (GRCh38, 1-based): chr3:53,801,278-53,801,280, CAA deleted; deleting any 3 consecutive bases within chr3:53,801,275-53,801,280 gives the same sequence; the position shown is the placement nearest the transcript's 3' end. VCF-style (leftmost placement, unchanged base first): chr3-53801274-TCAA-T. GRCh37 (hg19) VCF-style: chr3-53835301-TCAA-T.
Other names: c.5318CAA[1], p.Thr1774del (NM_000720.4); c.5213CAA[1], p.Thr1739del (NM_001128839.3); short protein forms T1754del, T1739del, T1774del.
Identifiers: ClinVar variation 2871865 (VCV002871865.3), dbSNP rs2474469302, ClinGen allele CA2666139599.
Genomic context (GRCh38, chr3:53,801,274, plus strand): 5'-GGAAATTCGGTGTGTCATAACCATCATAACCATAATTCCATAGGAAAGCAAGTTCCCACC[TCAA>T]CAAATGCCAATCTCAATAATGCCAATATGTCCAAAGCTGCCCATGGAAAGCGGCCCAGCA-3'

ClinVar aggregate classification (germline): Uncertain significance (1 of 4 stars; one submission).

Submission:

Labcorp Genetics (formerly Invitae), Labcorp
Classification: Uncertain significance. Last evaluated: 2023-05-22. Review status: criteria provided, single submitter. Criteria: Invitae Variant Classification Sherloc (09022015). Collection method: clinical testing. Allele origin: germline.
Comment: In summary, the available evidence is currently insufficient to determine the role of this variant in disease. Therefore, it has been classified as a Variant of Uncertain Significance. Experimental studies and prediction algorithms are not available or were not evaluated, and the functional significance of this variant is currently unknown. This variant has not been reported in the literature in individuals affected with CACNA1D-related conditions. This variant is not present in population databases (gnomAD no frequency). This variant, c.5321_5323del, results in the deletion of 1 amino acid(s) of the CACNA1D protein (p.Thr1774del), but otherwise preserves the integrity of the reading frame.